The following is an entry in ClinVar:

ClinVar aggregate classification (germline): Benign/Likely benign. Review status: criteria provided, multiple submitters, no conflicts (2 of 4 stars). 6 submissions from 6 submitters: Benign (3); Likely benign (2). 1 of the submissions does not count toward it. Last evaluated 2026-08-01.

Conditions:
Inborn genetic diseases. Identifiers: MedGen C0950123, MeSH D030342.
ZEB2-related disorder. Also called: ZEB2-related condition.
Mowat-Wilson syndrome (MOWS). Also called: Classic Mowat-Wilson Syndrome. Identifiers: Orphanet 2152, MedGen C1856113, MONDO:0009341, OMIM 235730.

Allele frequency attached by ClinVar (database versions not stated): gnomAD 0.00004; gnomAD exomes 0.00004 and 0.00007; ExAC 0.00008; TOPMed 0.00010; ESP Exome Variant Server 0.00015.
gnomAD v4.1: 30 of 1,613,940 alleles (0.0019%); highest among the groups gnomAD compares: Admixed American, 0.028%; no homozygotes.

Submissions (6):

CeGaT Center for Human Genetics Tuebingen
Classification: Likely benign. Last evaluated: 2026-08-01. Review status: criteria provided, single submitter. Criteria: CeGaT Center For Human Genetics Tuebingen Variant Classification Criteria Version 2. Collection method: clinical testing. Allele origin: germline. Affected: yes. Observed: 2 variant alleles.
Comment: ZEB2: BP4

Labcorp Genetics (formerly Invitae), Labcorp
Classification: Benign for Mowat-Wilson syndrome. Last evaluated: 2025-12-30. Review status: criteria provided, single submitter. Criteria: Invitae Variant Classification Sherloc (09022015). Collection method: clinical testing. Allele origin: germline.

Ambry Genetics
Classification: Likely benign for Inborn genetic diseases. Last evaluated: 2025-08-01. Review status: criteria provided, single submitter. Criteria: Ambry Variant Classification Scheme 2023. Collection method: clinical testing. Allele origin: germline.

Genome-Nilou Lab
Classification: Benign for Mowat-Wilson syndrome. Last evaluated: 2021-11-07. Review status: criteria provided, single submitter. Criteria: ACMG Guidelines, 2015. Collection method: clinical testing. Allele origin: germline. Affected: no.

GeneDx
Classification: Benign. Last evaluated: 2020-06-15. Review status: criteria provided, single submitter. Criteria: GeneDx Variant Classification Process June 2021. Collection method: clinical testing. Allele origin: germline. Affected: yes.

PreventionGenetics, part of Exact Sciences
Classification: Likely benign for ZEB2-related condition. Last evaluated: 2022-08-16. Review status: no assertion criteria provided. Collection method: clinical testing. Allele origin: germline. Not counted in ClinVar's aggregate classification.
Comment: This variant is classified as likely benign based on ACMG/AMP sequence variant interpretation guidelines (Richards et al. 2015 PMID: 25741868, with internal and published modifications).

NM_014795.4(ZEB2):c.395A>G (p.Asn132Ser)

Gene: ZEB2 (zinc finger E-box binding homeobox 2; minus strand). Cytogenetic location: 2q22.3.
Variant type: single nucleotide variant.
Coding change: c.395A>G on transcript NM_014795.4 (MANE Select); coding-DNA position 395, A replaced by G.
Protein change: p.Asn132Ser; replaces asparagine 132 with serine.
Molecular consequence: missense variant. On other transcripts: intron variant (1).
Genome position (GRCh38, 1-based): chr2:144,424,804, T>C on the plus strand (A>G on the coding strand, the complement: ZEB2 is on the minus strand). VCF-style: chr2-144424804-T-C. GRCh37 (hg19) VCF-style: chr2-145182371-T-C.
Other names: c.331+4965A>G (NM_001171653.2); short protein forms N132S.
Identifiers: ClinVar variation 388778 (VCV000388778.25), dbSNP rs369622877, ClinGen allele CA1898535.